The following is an entry in ClinVar:

ClinVar aggregate classification (germline): Uncertain significance (1 of 4 stars; one submission).

Conditions:
Familial thoracic aortic aneurysm and aortic dissection (TAAD). Also called: Thoracic aortic aneurysms and dissections. Identifiers: Orphanet 91387, MedGen C4707243, MONDO:0019625.
Marfan syndrome (MFS). Also called: FBN1-Related Marfan Syndrome; Marfan syndrome type 1; Marfan's syndrome; Marfan syndrome, classic; MARFAN SYNDROME, TYPE I. Identifiers: Orphanet 284963, Orphanet 558, MedGen C0024796, MONDO:0007947, OMIM 154700.

Submission:

Labcorp Genetics (formerly Invitae), Labcorp
Classification: Uncertain significance for Marfan syndrome; Familial thoracic aortic aneurysm and aortic dissection. Last evaluated: 2018-08-28. Review status: criteria provided, single submitter. Criteria: Invitae Variant Classification Sherloc (09022015). Collection method: clinical testing. Allele origin: germline.
Comment: In summary, the available evidence is currently insufficient to determine the role of this variant in disease. Therefore, it has been classified as a Variant of Uncertain Significance. Algorithms developed to predict the effect of missense changes on protein structure and function are either unavailable or do not agree on the potential impact of this missense change (SIFT: "Tolerated"; PolyPhen-2: "Probably Damaging"; Align-GVGD: "Class C25"). This variant is not present in population databases (ExAC no frequency). This sequence change replaces glycine with aspartic acid at codon 1525 of the FBN1 protein (p.Gly1525Asp). The glycine residue is highly conserved and there is a moderate physicochemical difference between glycine and aspartic acid.

NM_000138.5(FBN1):c.4574G>A (p.Gly1525Asp)

Gene: FBN1 (fibrillin 1; minus strand). Cytogenetic location: 15q21.1.
Variant type: single nucleotide variant.
Coding change: c.4574G>A on transcript NM_000138.5 (MANE Select); coding-DNA position 4574, G replaced by A.
Protein change: p.Gly1525Asp; replaces glycine 1525 with aspartic acid.
Molecular consequence: missense variant.
Genome position (GRCh38, 1-based): chr15:48,468,420, C>T on the plus strand (G>A on the coding strand, the complement: FBN1 is on the minus strand). VCF-style: chr15-48468420-C-T. GRCh37 (hg19) VCF-style: chr15-48760617-C-T.
Other names: short protein forms G1525D.
Identifiers: ClinVar variation 652226 (VCV000652226.8), dbSNP rs1597549030, ClinGen allele CA392353315.